The following is an entry in ClinVar:

ClinVar aggregate classification (germline): Uncertain significance (1 of 4 stars; one submission).

gnomAD v4.1: 14 of 1,613,762 alleles (0.00087%); highest among the groups gnomAD compares: Non-Finnish European, 0.0012%; no homozygotes.

Submission:

Labcorp Genetics (formerly Invitae), Labcorp
Classification: Uncertain significance. Last evaluated: 2022-02-15. Review status: criteria provided, single submitter. Criteria: Invitae Variant Classification Sherloc (09022015). Collection method: clinical testing. Allele origin: germline.
Comment: In summary, the available evidence is currently insufficient to determine the role of this variant in disease. Therefore, it has been classified as a Variant of Uncertain Significance. Algorithms developed to predict the effect of sequence changes on RNA splicing suggest that this variant may create or strengthen a splice site. Algorithms developed to predict the effect of missense changes on protein structure and function output the following: SIFT: "Tolerated"; PolyPhen-2: "Benign"; Align-GVGD: "Class C0". The serine amino acid residue is found in multiple mammalian species, which suggests that this missense change does not adversely affect protein function. This variant has not been reported in the literature in individuals affected with LONP1-related conditions. This variant is not present in population databases (gnomAD no frequency). This sequence change replaces threonine, which is neutral and polar, with serine, which is neutral and polar, at codon 130 of the LONP1 protein (p.Thr130Ser).

NM_004793.4(LONP1):c.389C>G (p.Thr130Ser)

Gene: LONP1 (lon peptidase 1, mitochondrial; minus strand). Cytogenetic location: 19p13.3.
Variant type: single nucleotide variant.
Coding change: c.389C>G on transcript NM_004793.4 (MANE Select); coding-DNA position 389, C replaced by G.
Protein change: p.Thr130Ser; replaces threonine 130 with serine.
Molecular consequence: missense variant. On other transcripts: non-coding transcript variant (1), intron variant (1).
Genome position (GRCh38, 1-based): chr19:5,719,744, G>C on the plus strand (C>G on the coding strand, the complement: LONP1 is on the minus strand). VCF-style: chr19-5719744-G-C. GRCh37 (hg19) VCF-style: chr19-5719755-G-C.
Other names: c.197C>G, p.Thr66Ser (NM_001276479.2); c.-160+475C>G (NM_001276480.1); short protein forms T130S, T66S.
Identifiers: ClinVar variation 2185382 (VCV002185382.4), dbSNP rs527677472, ClinGen allele CA403543398.